The following is an entry in ClinVar:

NM_024642.5(GALNT12):c.1709A>G (p.Asp570Gly)

Gene: GALNT12 (polypeptide N-acetylgalactosaminyltransferase 12; plus strand). Cytogenetic location: 9q22.33.
Variant type: single nucleotide variant.
Coding change: c.1709A>G on transcript NM_024642.5 (MANE Select); coding-DNA position 1709, A replaced by G.
Protein change: p.Asp570Gly; replaces aspartic acid 570 with glycine.
Molecular consequence: missense variant.
Genome position (GRCh38, 1-based): chr9:98,849,055, A>G. VCF-style: chr9-98849055-A-G. GRCh37 (hg19) VCF-style: chr9-101611337-A-G.
Other names: short protein forms D570G.
Identifiers: ClinVar variation 1778503 (VCV001778503.2), dbSNP rs2490565965, ClinGen allele CA374223275.

ClinVar aggregate classification (germline): Uncertain significance (1 of 4 stars; one submission).

Submission:

Ambry Genetics
Classification: Uncertain significance. Last evaluated: 2021-06-30. Review status: criteria provided, single submitter. Criteria: Ambry Variant Classification Scheme 2023. Collection method: clinical testing. Allele origin: germline.
Comment: The p.D570G variant (also known as c.1709A>G), located in coding exon 10 of the GALNT12 gene, results from an A to G substitution at nucleotide position 1709. The aspartic acid at codon 570 is replaced by glycine, an amino acid with similar properties. This amino acid position is conserved. In addition, this alteration is predicted to be tolerated by in silico analysis. Since supporting evidence is limited at this time, the clinical significance of this alteration remains unclear.